The following is an entry in ClinVar:

NM_000492.4(CFTR):c.4137-23G>A

Gene: CFTR (CF transmembrane conductance regulator; plus strand). Cytogenetic location: 7q31.2.
Variant type: single nucleotide variant.
Coding change: c.4137-23G>A on transcript NM_000492.4 (MANE Select); 23 bases into the intron before coding-DNA position 4137, G replaced by A.
Molecular consequence: intron variant.
Genome position (GRCh38, 1-based): chr7:117,665,436, G>A. VCF-style: chr7-117665436-G-A. GRCh37 (hg19) VCF-style: chr7-117305490-G-A.
Identifiers: ClinVar variation 1706038 (VCV001706038.1), dbSNP rs2485182910, ClinGen allele CA2580076375.

ClinVar aggregate classification (germline): Uncertain significance (1 of 4 stars; one submission).

Conditions:
Cystic fibrosis (CF). Also called: MUCOVISCIDOSIS. Identifiers: Orphanet 586, MedGen C0010674, MONDO:0009061, OMIM 219700. Disease mechanism: loss of function.

Submission:

Institute of Human Genetics, University of Leipzig Medical Center
Classification: Uncertain significance for Cystic fibrosis. Last evaluated: 2022-09-05. Review status: criteria provided, single submitter. Criteria: ACMG Guidelines, 2015. Collection method: curation. Allele origin: unknown. Affected: yes. Observed: 1 variant allele.
Comment: The variant was classified in the context of a project re-classifying variants in the German Cystic Fibrosis Registry (Muko.e.V.). Criteria applied: PM2_SUP